The following is an entry in ClinVar:

NM_006662.3(SRCAP):c.9187C>G (p.Leu3063Val)

Gene: SRCAP (Snf2 related CREBBP activator protein; plus strand). Cytogenetic location: 16p11.2.
Variant type: single nucleotide variant.
Coding change: c.9187C>G on transcript NM_006662.3 (MANE Select); coding-DNA position 9187, C replaced by G.
Protein change: p.Leu3063Val; replaces leucine 3063 with valine.
Molecular consequence: missense variant.
Genome position (GRCh38, 1-based): chr16:30,739,227, C>G. VCF-style: chr16-30739227-C-G. GRCh37 (hg19) VCF-style: chr16-30750548-C-G.
Other names: short protein forms L3063V.
Identifiers: ClinVar variation 3654688 (VCV003654688.2).

ClinVar aggregate classification (germline): Uncertain significance (1 of 4 stars; one submission).

gnomAD v4.1: 1 of 1,613,564 alleles (0.000062%); highest among the groups gnomAD compares: South Asian, 0.0011%; no homozygotes.

Submission:

Labcorp Genetics (formerly Invitae), Labcorp
Classification: Uncertain significance. Last evaluated: 2024-07-20. Review status: criteria provided, single submitter. Criteria: Invitae Variant Classification Sherloc (09022015). Collection method: clinical testing. Allele origin: germline.
Comment: This sequence change replaces leucine, which is neutral and non-polar, with valine, which is neutral and non-polar, at codon 3063 of the SRCAP protein (p.Leu3063Val). This variant is present in population databases (rs775125210, gnomAD 0.003%). This variant has not been reported in the literature in individuals affected with SRCAP-related conditions. Advanced modeling of protein sequence and biophysical properties (such as structural, functional, and spatial information, amino acid conservation, physicochemical variation, residue mobility, and thermodynamic stability) performed at Invitae indicates that this missense variant is not expected to disrupt SRCAP protein function with a negative predictive value of 80%. In summary, the available evidence is currently insufficient to determine the role of this variant in disease. Therefore, it has been classified as a Variant of Uncertain Significance.